The following is an entry in ClinVar:

ClinVar aggregate classification (germline): Pathogenic (1 of 4 stars; one submission).

Conditions:
Neurofibromatosis, type 1 (NF1). Also called: VON RECKLINGHAUSEN DISEASE; NEUROFIBROMATOSIS, TYPE I, SOMATIC; Peripheral type neurofibromatosis; Neurofibromatosis, type I. Identifiers: Orphanet 636, MedGen C0027831, MONDO:0018975, OMIM 162200. Disease mechanism: loss of function.

Submission:

Labcorp Genetics (formerly Invitae), Labcorp
Classification: Pathogenic for Neurofibromatosis, type 1. Last evaluated: 2024-10-22. Review status: criteria provided, single submitter. Criteria: Invitae Variant Classification Sherloc (09022015). Collection method: clinical testing. Allele origin: germline.
Comment: This sequence change creates a premature translational stop signal (p.Asp1715Argfs*21) in the NF1 gene. It is expected to result in an absent or disrupted protein product. Loss-of-function variants in NF1 are known to be pathogenic (PMID: 10712197, 23913538). This variant is not present in population databases (gnomAD no frequency). This variant has not been reported in the literature in individuals affected with NF1-related conditions. Algorithms developed to predict the effect of sequence changes on RNA splicing suggest that this variant may disrupt the consensus splice site. For these reasons, this variant has been classified as Pathogenic.

Literature cited by the submitters: PubMed 10712197; PubMed 23913538.

NM_001042492.3(NF1):c.5205_5206insA (p.Asp1736fs)

Gene: NF1 (neurofibromin 1; plus strand). Cytogenetic location: 17q11.2.
Variant type: Insertion.
Coding change: c.5205_5206insA on transcript NM_001042492.3 (MANE Select); coding-DNA positions 5205 to 5206, A inserted.
Protein change: p.Asp1736fs; shifts the reading frame from aspartic acid 1736.
Molecular consequence: frameshift variant.
Genome position: GRCh38 VCF-style: chr17-31326189-G-GA. GRCh37 (hg19) VCF-style: chr17-29653207-G-GA.
Other names: c.5142_5143insA, p.Asp1715Argfs (NM_000267.4); short protein forms D1715fs, D1736fs.
Identifiers: ClinVar variation 3723349 (VCV003723349.2).